The following is an entry in ClinVar:

NM_001130438.3(SPTAN1):c.3144G>T (p.Gln1048His)

Gene: SPTAN1 (spectrin alpha, non-erythrocytic 1; plus strand). Cytogenetic location: 9q34.11.
Variant type: single nucleotide variant.
Coding change: c.3144G>T on transcript NM_001130438.3 (MANE Select); coding-DNA position 3144, G replaced by T.
Protein change: p.Gln1048His; replaces glutamine 1048 with histidine.
Molecular consequence: missense variant.
Genome position (GRCh38, 1-based): chr9:128,591,614, G>T. VCF-style: chr9-128591614-G-T. GRCh37 (hg19) VCF-style: chr9-131353893-G-T.
Other names: c.3144G>T, p.Gln1048His (NM_001195532.2, NM_001363759.2, NM_001363765.2 and 5 more transcripts); c.3144G>T (NM_001130438.2); c.3180G>T, p.Gln1060His (NM_001375312.2, NM_001375318.1); short protein forms Q1048H, Q1060H.
Identifiers: ClinVar variation 2746832 (VCV002746832.4), dbSNP rs2541401557, ClinGen allele CA375060629.

ClinVar aggregate classification (germline): Uncertain significance. Review status: criteria provided, multiple submitters, no conflicts (2 of 4 stars). 2 submissions from 2 submitters: Uncertain significance (2). Last evaluated 2024-10-09.

Conditions:
Inborn genetic diseases. Identifiers: MedGen C0950123, MeSH D030342.
Early-infantile DEE. Also called: Early infantile epileptic encephalopathy with suppression bursts; Early infantile epileptic encephalopathy; Ohtahara syndrome. Identifiers: Orphanet 1934, MedGen C0393706, MONDO:0800491.

Submissions (2):

Ambry Genetics
Classification: Uncertain significance for Inborn genetic diseases. Last evaluated: 2024-10-09. Review status: criteria provided, single submitter. Criteria: Ambry Variant Classification Scheme 2023. Collection method: clinical testing. Allele origin: germline.

Labcorp Genetics (formerly Invitae), Labcorp
Classification: Uncertain significance for Early-infantile DEE. Last evaluated: 2023-07-25. Review status: criteria provided, single submitter. Criteria: Invitae Variant Classification Sherloc (09022015). Collection method: clinical testing. Allele origin: germline.
Comment: In summary, the available evidence is currently insufficient to determine the role of this variant in disease. Therefore, it has been classified as a Variant of Uncertain Significance. Advanced modeling of protein sequence and biophysical properties (such as structural, functional, and spatial information, amino acid conservation, physicochemical variation, residue mobility, and thermodynamic stability) has been performed at Invitae for this missense variant, however the output from this modeling did not meet the statistical confidence thresholds required to predict the impact of this variant on SPTAN1 protein function. This variant has not been reported in the literature in individuals affected with SPTAN1-related conditions. This variant is not present in population databases (gnomAD no frequency). This sequence change replaces glutamine, which is neutral and polar, with histidine, which is basic and polar, at codon 1048 of the SPTAN1 protein (p.Gln1048His).